The following is an entry in ClinVar:

NM_001482.3(GATM):c.338A>G (p.His113Arg)

Gene: GATM (glycine amidinotransferase; minus strand). Cytogenetic location: 15q21.1.
Variant type: single nucleotide variant.
Coding change: c.338A>G on transcript NM_001482.3 (MANE Select); coding-DNA position 338, A replaced by G.
Protein change: p.His113Arg; replaces histidine 113 with arginine.
Molecular consequence: missense variant. On other transcripts: 5 prime UTR variant (1).
Genome position (GRCh38, 1-based): chr15:45,369,472, T>C on the plus strand (A>G on the coding strand, the complement: GATM is on the minus strand). VCF-style: chr15-45369472-T-C. GRCh37 (hg19) VCF-style: chr15-45661670-T-C.
Other names: c.-50A>G (NM_001321015.2); short protein forms H113R.
Identifiers: ClinVar variation 859203 (VCV000859203.10), dbSNP rs910754475, ClinGen allele CA270169339.

ClinVar aggregate classification (germline): Uncertain significance. Review status: criteria provided, multiple submitters, no conflicts (2 of 4 stars). 2 submissions from 2 submitters: Uncertain significance (2). Last evaluated 2024-05-26.

Conditions:
Fanconi renotubular syndrome 1. Also called: LUDER-SHELDON SYNDROME; Toni-Debre-Fanconi syndrome; Neonatal De Toni-Debre-Fanconi syndrome; De Toni-Fanconi syndrome; FRTS1. Identifiers: MedGen C4551503, MONDO:0024525, OMIM 134600.
Arginine:glycine amidinotransferase deficiency (CCDS3). Also called: Creatine deficiency syndrome due to AGAT deficiency; GATM deficiency; AGAT deficiency; Cerebral creatine deficiency syndrome 3; L-Arginine:Glycine Amidinotransferase (AGAT) Deficiency; L-Arginine:Glycine Amidinotransferase Deficiency. Identifiers: Orphanet 35704, MedGen C2675179, MONDO:0012996, OMIM 612718.

Allele frequency attached by ClinVar (database versions not stated): gnomAD 0.00004 and 0.00003; TOPMed 0.00004; gnomAD exomes below 0.00001.
gnomAD v4.1: 6 of 1,614,070 alleles (0.00037%); highest among the groups gnomAD compares: African/African-American, 0.008%; no homozygotes.

Submissions (2):

Labcorp Genetics (formerly Invitae), Labcorp
Classification: Uncertain significance for Arginine:glycine amidinotransferase deficiency. Last evaluated: 2024-05-26. Review status: criteria provided, single submitter. Criteria: Invitae Variant Classification Sherloc (09022015). Collection method: clinical testing. Allele origin: germline.
Comment: This sequence change replaces histidine, which is basic and polar, with arginine, which is basic and polar, at codon 113 of the GATM protein (p.His113Arg). This variant is present in population databases (no rsID available, gnomAD 0.01%). This variant has not been reported in the literature in individuals affected with GATM-related conditions. ClinVar contains an entry for this variant (Variation ID: 859203). Advanced modeling of protein sequence and biophysical properties (such as structural, functional, and spatial information, amino acid conservation, physicochemical variation, residue mobility, and thermodynamic stability) performed at Invitae indicates that this missense variant is not expected to disrupt GATM protein function with a negative predictive value of 80%. In summary, the available evidence is currently insufficient to determine the role of this variant in disease. Therefore, it has been classified as a Variant of Uncertain Significance.

Fulgent Genetics
Classification: Uncertain significance for Fanconi renotubular syndrome 1; Arginine:glycine amidinotransferase deficiency. Last evaluated: 2022-01-03. Review status: criteria provided, single submitter. Criteria: ACMG Guidelines, 2015. Collection method: clinical testing. Allele origin: unknown.